The following is an entry in ClinVar:

ClinVar aggregate classification (germline): Likely benign. Review status: criteria provided, multiple submitters, no conflicts (2 of 4 stars). 3 submissions from 3 submitters: Likely benign (3). Last evaluated 2026-07-17.

Conditions:
CEP250-related disorder. Also called: CEP250-related condition.

Allele frequency attached by ClinVar (database versions not stated): gnomAD exomes 0.00010; 1000 Genomes Project 30x 0.00016; 1000 Genomes Project 0.00020; ExAC 0.00021; ESP Exome Variant Server 0.00023; TOPMed 0.00039.
gnomAD v4.1: 117 of 1,610,204 alleles (0.0073%); highest among the groups gnomAD compares: African/African-American, 0.13%; no homozygotes.

Submissions (3):

PreventionGenetics, part of Exact Sciences
Classification: Likely benign for CEP250-related condition. Last evaluated: 2026-07-17. Review status: criteria provided, single submitter. Criteria: ACMG Guidelines, 2015. Collection method: clinical testing. Allele origin: germline.
Comment: This variant is classified as likely benign based on ACMG/AMP sequence variant interpretation guidelines (Richards et al. 2015 PMID: 25741868, with internal and published modifications).

Labcorp Genetics (formerly Invitae), Labcorp
Classification: Likely benign. Last evaluated: 2025-12-28. Review status: criteria provided, single submitter. Criteria: Invitae Variant Classification Sherloc (09022015). Collection method: clinical testing. Allele origin: germline.

Blueprint Genetics
Classification: Likely benign. Last evaluated: 2022-11-10. Review status: criteria provided, single submitter. Criteria: ACMG Guidelines, 2015. Collection method: clinical testing. Allele origin: germline.

NM_007186.6(CEP250):c.1935C>T (p.Val645=)

Genes: CEP250 (centrosomal protein 250; plus strand), CEP250-AS1 (CEP250 antisense RNA 1; minus strand). Cytogenetic location: 20q11.22.
Variant type: single nucleotide variant.
Coding change: c.1935C>T on transcript NM_007186.6 (MANE Select); coding-DNA position 1935, C replaced by T.
Protein change: p.Val645=; no amino-acid change (valine 645 retained).
Molecular consequence: synonymous variant.
Genome position (GRCh38, 1-based): chr20:35,477,942, C>T. VCF-style: chr20-35477942-C-T. GRCh37 (hg19) VCF-style: chr20-34065767-C-T.
Other names: c.1935C>T (NM_007186.5); c.39C>T, p.Val13= (NM_001318219.1).
Identifiers: ClinVar variation 1122642 (VCV001122642.11), dbSNP rs370009858, ClinGen allele CA9833069.